The following is an entry in ClinVar:

ClinVar aggregate classification (germline): Conflicting classifications of pathogenicity. Review status: criteria provided, conflicting classifications (1 of 4 stars). 4 submissions from 4 submitters: Uncertain significance (1); Likely benign (3). Last evaluated 2026-03-27.

Conditions:
Melnick-Needles syndrome (MNS). Also called: MELNICK-NEEDLES OSTEODYSPLASTY; OSTEODYSPLASTY OF MELNICK AND NEEDLES; Melnick-Needles Syndrome (FLNA-MNS). Identifiers: Orphanet 2484, MedGen C0025237, MONDO:0010650, OMIM 309350.
Frontometaphyseal dysplasia (FMD1). Identifiers: Orphanet 1826, MedGen C0265293, MONDO:0015942.
Heterotopia, periventricular, X-linked dominant (PVNH1). Also called: PERIVENTRICULAR NODULAR HETEROTOPIA 1; X-linked periventricular heterotopia; PERIVENTRICULAR NODULAR HETEROTOPIA 4; HETEROTOPIA, PERIVENTRICULAR, 1. Identifiers: Orphanet 2149, Orphanet 82004, MedGen C1848213, MONDO:0010233, OMIM 300049.
Oto-palato-digital syndrome, type II (OPD2). Also called: FACIOPALATOOSSEOUS SYNDROME; OPD II SYNDROME; Otopalatodigital Syndrome, Type II; Otopalatodigital Syndrome Type 2 (FLNA-OPD2). Identifiers: Orphanet 669, Orphanet 90652, MedGen C1844696, MONDO:0010571, OMIM 304120.

Allele frequency attached by ClinVar (database versions not stated): TOPMed below 0.00001; gnomAD 0.00001; ExAC 0.00002; gnomAD exomes 0.00002.
gnomAD v4.1: 15 of 1,208,776 alleles (0.0012%); highest among the groups gnomAD compares: East Asian, 0.003%; no homozygotes.

Submissions (5):

Molecular Diagnostic Laboratory for Inherited Cardiovascular Disease, Montreal Heart Institute
Classification: Likely benign. Last evaluated: 2026-03-27. Review status: criteria provided, single submitter. Criteria: ACMG Guidelines, 2015. Collection method: clinical testing. Allele origin: germline. Affected: no.
Comment: BS1

Labcorp Genetics (formerly Invitae), Labcorp
Classification: Uncertain significance for Oto-palato-digital syndrome, type II; Heterotopia, periventricular, X-linked dominant; Frontometaphyseal dysplasia; Melnick-Needles syndrome. Last evaluated: 2025-03-16. Review status: criteria provided, single submitter. Criteria: Invitae Variant Classification Sherloc (09022015). Collection method: clinical testing. Allele origin: germline.
Comment: This sequence change falls in intron 2 of the FLNA gene. It does not directly change the encoded amino acid sequence of the FLNA protein. It affects a nucleotide within the consensus splice site. This variant is present in population databases (rs781994403, gnomAD 0.008%). This variant has not been reported in the literature in individuals affected with FLNA-related conditions. ClinVar contains an entry for this variant (Variation ID: 1259796). Variants that disrupt the consensus splice site are a relatively common cause of aberrant splicing (PMID: 17576681, 9536098). Algorithms developed to predict the effect of sequence changes on RNA splicing suggest that this variant is not likely to affect RNA splicing. In summary, the available evidence is currently insufficient to determine the role of this variant in disease. Therefore, it has been classified as a Variant of Uncertain Significance.

Blueprint Genetics
Classification: Likely benign. Last evaluated: 2022-04-11. Review status: criteria provided, single submitter. Criteria: ACMG Guidelines, 2015. Collection method: clinical testing. Allele origin: germline.

GeneDx
Classification: Likely benign. Last evaluated: 2021-06-21. Review status: criteria provided, single submitter. Criteria: GeneDx Variant Classification Process June 2021. Collection method: clinical testing. Allele origin: germline. Affected: yes.

Dr. Peter K. Rogan Lab, Western University
No classification provided (evidence only). Condition: Clear cell carcinoma of kidney. Review status: no classification provided. Collection method: in vitro. Allele origin: not applicable. Functional consequence: retained intron. Not counted in ClinVar's aggregate classification.

Literature cited by the submitters: PubMed 17576681 (cited by Labcorp Genetics (formerly Invitae), Labcorp); PubMed 9536098 (cited by Labcorp Genetics (formerly Invitae), Labcorp).

NM_001110556.2(FLNA):c.374-3C>T

Gene: FLNA (filamin A; minus strand). Cytogenetic location: Xq28.
Variant type: single nucleotide variant.
Coding change: c.374-3C>T on transcript NM_001110556.2 (MANE Select); 3 bases into the intron before coding-DNA position 374, C replaced by T.
Molecular consequence: intron variant.
Genome position (GRCh38, 1-based): chrX:154,368,093, G>A on the plus strand (C>T on the coding strand, the complement: FLNA is on the minus strand). VCF-style: chrX-154368093-G-A. GRCh37 (hg19) VCF-style: chrX-153596461-G-A.
Other names: c.374-3C>T (NM_001456.4).
Identifiers: ClinVar variation 1259796 (VCV001259796.10), dbSNP rs781994403, ClinGen allele CA10561415.